The following is an entry in ClinVar:

ClinVar aggregate classification (germline): Likely benign. Review status: criteria provided, single submitter (1 of 4 stars). 2 submissions from 2 submitters: Likely benign (1). 1 of the submissions does not count toward it. Last evaluated 2023-10-06.

Conditions:
FANCI-related disorder. Also called: FANCI-related condition.
Fanconi anemia (FA). Also called: Fanconi's anemia. Identifiers: Orphanet 84, MedGen C0015625, MeSH D005199, MONDO:0019391.

Allele frequency attached by ClinVar (database versions not stated): gnomAD exomes below 0.00001; ExAC 0.00001.
gnomAD v4.1: 6 of 1,614,044 alleles (0.00037%); highest among the groups gnomAD compares: Middle Eastern, 0.017%; no homozygotes.

Submissions (2):

Labcorp Genetics (formerly Invitae), Labcorp
Classification: Likely benign for Fanconi anemia. Last evaluated: 2023-10-06. Review status: criteria provided, single submitter. Criteria: Invitae Variant Classification Sherloc (09022015). Collection method: clinical testing. Allele origin: germline.

PreventionGenetics, part of Exact Sciences
Classification: Likely benign for FANCI-related condition. Last evaluated: 2024-03-23. Review status: no assertion criteria provided. Collection method: clinical testing. Allele origin: germline. Not counted in ClinVar's aggregate classification.
Comment: This variant is classified as likely benign based on ACMG/AMP sequence variant interpretation guidelines (Richards et al. 2015 PMID: 25741868, with internal and published modifications).

NM_001113378.2(FANCI):c.2196C>T (p.Ser732=)

Gene: FANCI (FA complementation group I; plus strand). Cytogenetic location: 15q26.1.
Variant type: single nucleotide variant.
Coding change: c.2196C>T on transcript NM_001113378.2 (MANE Select); coding-DNA position 2196, C replaced by T.
Protein change: p.Ser732=; no amino-acid change (serine 732 retained).
Molecular consequence: synonymous variant.
Genome position (GRCh38, 1-based): chr15:89,292,968, C>T. VCF-style: chr15-89292968-C-T. GRCh37 (hg19) VCF-style: chr15-89836199-C-T.
Other names: c.1917C>T, p.Ser639= (NM_001376910.1); c.2196C>T, p.Ser732= (NM_001376911.1, NM_018193.3).
Identifiers: ClinVar variation 2903937 (VCV002903937.4), dbSNP rs746243469, ClinGen allele CA7723311.